The following is an entry in ClinVar:

ClinVar aggregate classification (germline): Pathogenic (1 of 4 stars; one submission).

Submission:

Labcorp Genetics (formerly Invitae), Labcorp
Classification: Pathogenic. Last evaluated: 2025-10-03. Review status: criteria provided, single submitter. Criteria: Invitae Variant Classification Sherloc (09022015). Collection method: clinical testing. Allele origin: germline.
Comment: This sequence change creates a premature translational stop signal (p.Val231Argfs*52) in the ALPK3 gene. It is expected to result in an absent or disrupted protein product. Loss-of-function variants in ALPK3 are known to be pathogenic (PMID: 21441111, 26846950, 27106955, 34263907). This variant is not present in population databases (gnomAD no frequency). This variant has not been reported in the literature in individuals affected with ALPK3-related conditions. For these reasons, this variant has been classified as Pathogenic.

Literature cited by the submitters: PubMed 21441111; PubMed 26846950; PubMed 27106955; PubMed 34263907.

NM_020778.5(ALPK3):c.80dup (p.Val29fs)

Gene: ALPK3 (alpha kinase 3; plus strand). Cytogenetic location: 15q25.3.
Variant type: Duplication.
Coding change: c.80dup on transcript NM_020778.5 (MANE Select); coding-DNA position 80, one base duplicated (G; older notation c.80dupG).
Protein change: p.Val29fs; shifts the reading frame from valine 29.
Molecular consequence: frameshift variant.
Genome position (GRCh38, 1-based): chr15:84,817,532, G duplicated; the last of 2 consecutive G bases (chr15:84,817,531-84,817,532); duplicating either gives the same sequence. VCF-style (leftmost placement, unchanged base first): chr15-84817530-C-CG. GRCh37 (hg19) VCF-style: chr15-85360761-C-CG.
Other names: short protein forms V29fs.
Identifiers: ClinVar variation 4728415 (VCV004728415.1).